The following is an entry in ClinVar:

ClinVar aggregate classification (germline): Benign (1 of 4 stars; one submission).

Conditions:
Miller syndrome (POADS). Also called: GENEE-WIEDEMANN SYNDROME; Genee-Wiedemann acrofacial dysostosis. Identifiers: Orphanet 246, MedGen C0265257, MONDO:0009903, OMIM 263750.

Allele frequency attached by ClinVar (database versions not stated): gnomAD exomes 0.00095; gnomAD 0.00553 and 0.00579; TOPMed 0.00631; 1000 Genomes Project 30x 0.00656; 1000 Genomes Project 0.00759.

Submission:

Illumina Laboratory Services, Illumina
Classification: Benign for Miller syndrome. Last evaluated: 2018-01-13. Review status: criteria provided, single submitter. Criteria: ICSL Variant Classification Criteria 13 December 2019. Collection method: clinical testing. Allele origin: germline.
Comment: This variant was observed in the ICSL laboratory as part of a predisposition screen in an ostensibly healthy population. It had not been previously curated by ICSL or reported in the Human Gene Mutation Database (HGMD: prior to June 1st, 2018), and was therefore a candidate for classification through an automated scoring system. Utilizing variant allele frequency, disease prevalence and penetrance estimates, and inheritance mode, an automated score was calculated to assess if this variant is too frequent to cause the disease. Based on the score and internal cut-off values, a variant classified as benign is not then subjected to further curation. The score for this variant resulted in a classification of benign for this disease.

NM_001361.5(DHODH):c.*404G>A

Genes: DHODH (dihydroorotate dehydrogenase (quinone); plus strand), LOC126862390 (MED14-independent group 3 enhancer GRCh37_chr16:72057307-72058506; plus strand). Cytogenetic location: 16q22.2.
Variant type: single nucleotide variant.
Coding change: c.*404G>A on transcript NM_001361.5 (MANE Select); 404 bases downstream of the stop codon, G replaced by A.
Molecular consequence: 3 prime UTR variant.
Genome position (GRCh38, 1-based): chr16:72,024,603, G>A. VCF-style: chr16-72024603-G-A. GRCh37 (hg19) VCF-style: chr16-72058502-G-A.
Identifiers: ClinVar variation 320446 (VCV000320446.5), dbSNP rs150155845, ClinGen allele CA10644203.
Genomic context (GRCh38, chr16:72,024,603, plus strand): 5'-TGCCAAGATACTGCAGGTCCATCCAGGCCTCTGCTATCTGCATCTGCAGTGGGCTTCCCA[G>A]GAACTTGACTGTCTTTCATTTGATCTTTATTTTTGTTTATTTAATATTTTAAACTTTATT-3'